The following is an entry in ClinVar:

NM_001253697.2(ERBIN):c.216C>G (p.His72Gln)

Gene: ERBIN (erbb2 interacting protein; plus strand). Cytogenetic location: 5q12.3.
Variant type: single nucleotide variant.
Coding change: c.216C>G on transcript NM_001253697.2 (MANE Select); coding-DNA position 216, C replaced by G.
Protein change: p.His72Gln; replaces histidine 72 with glutamine.
Molecular consequence: missense variant.
Genome position (GRCh38, 1-based): chr5:65,994,773, C>G. VCF-style: chr5-65994773-C-G. GRCh37 (hg19) VCF-style: chr5-65290601-C-G.
Other names: c.216C>G, p.His72Gln (NM_001006600.3, NM_001253698.2, NM_001253699.2 and 2 more transcripts); short protein forms H72Q.
Identifiers: ClinVar variation 1956422 (VCV001956422.5), dbSNP rs1223795318, ClinGen allele CA359972163.

ClinVar aggregate classification (germline): Uncertain significance (1 of 4 stars; one submission).

Allele frequency attached by ClinVar (database versions not stated): gnomAD exomes below 0.00001; gnomAD 0.00001; TOPMed 0.00001.
gnomAD v4.1: 3 of 1,606,754 alleles (0.00019%); highest among the groups gnomAD compares: Non-Finnish European, 0.00025%; no homozygotes.

Submission:

Labcorp Genetics (formerly Invitae), Labcorp
Classification: Uncertain significance. Last evaluated: 2022-11-28. Review status: criteria provided, single submitter. Criteria: Invitae Variant Classification Sherloc (09022015). Collection method: clinical testing. Allele origin: germline.
Comment: This sequence change replaces histidine, which is basic and polar, with glutamine, which is neutral and polar, at codon 72 of the ERBIN protein (p.His72Gln). This variant is not present in population databases (gnomAD no frequency). This variant has not been reported in the literature in individuals affected with ERBIN-related conditions. Algorithms developed to predict the effect of missense changes on protein structure and function output the following: SIFT: "Deleterious"; PolyPhen-2: "Benign"; Align-GVGD: "Class C0". The glutamine amino acid residue is found in multiple mammalian species, which suggests that this missense change does not adversely affect protein function. Algorithms developed to predict the effect of sequence changes on RNA splicing suggest that this variant may create or strengthen a splice site. In summary, the available evidence is currently insufficient to determine the role of this variant in disease. Therefore, it has been classified as a Variant of Uncertain Significance.